The following is an entry in ClinVar:

NM_005896.4(IDH1):c.1120A>G (p.Lys374Glu)

Gene: IDH1 (isocitrate dehydrogenase (NADP(+)) 1; minus strand). Cytogenetic location: 2q34.
Variant type: single nucleotide variant.
Coding change: c.1120A>G on transcript NM_005896.4 (MANE Select); coding-DNA position 1120, A replaced by G.
Protein change: p.Lys374Glu; replaces lysine 374 with glutamic acid.
Molecular consequence: missense variant.
Genome position (GRCh38, 1-based): chr2:208,239,105, T>C on the plus strand (A>G on the coding strand, the complement: IDH1 is on the minus strand). VCF-style: chr2-208239105-T-C. GRCh37 (hg19) VCF-style: chr2-209103829-T-C.
Other names: c.1120A>G, p.Lys374Glu (NM_001282386.1, NM_001282387.1); short protein forms K374E.
Identifiers: ClinVar variation 1797621 (VCV001797621.3), dbSNP rs201267625, ClinGen allele CA64581918.

ClinVar aggregate classification (germline): Uncertain significance (1 of 4 stars; one submission).

Allele frequency attached by ClinVar (database versions not stated): gnomAD exomes below 0.00001; TOPMed below 0.00001; gnomAD 0.00001; 1000 Genomes Project 30x 0.00016; 1000 Genomes Project 0.00020.
gnomAD v4.1: 9 of 1,614,002 alleles (0.00056%); highest among the groups gnomAD compares: Non-Finnish European, 0.00059%; no homozygotes.

Submission:

Ambry Genetics
Classification: Uncertain significance. Last evaluated: 2023-06-24. Review status: criteria provided, single submitter. Criteria: Ambry Variant Classification Scheme 2023. Collection method: clinical testing. Allele origin: germline.
Comment: The p.K374E variant (also known as c.1120A>G), located in coding exon 7 of the IDH1 gene, results from an A to G substitution at nucleotide position 1120. The lysine at codon 374 is replaced by glutamic acid, an amino acid with similar properties. This amino acid position is conserved. In addition, this alteration is predicted to be deleterious by in silico analysis. Since supporting evidence is limited at this time, the clinical significance of this alteration remains unclear.